The following is an entry in ClinVar:

ClinVar aggregate classification (germline): Uncertain significance. Review status: criteria provided, multiple submitters, no conflicts (2 of 4 stars). 2 submissions from 2 submitters: Uncertain significance (2). Last evaluated 2024-06-19.

Conditions:
Craniosynostosis 7 (CRS7). Also called: CRANIOSYNOSTOSIS 7, DIGENIC; CRS7, DIGENIC. Identifiers: MedGen C4479496, MONDO:0044315, OMIM 617439.
Radioulnar synostosis, nonsyndromic, susceptibility to. Identifiers: MedGen C5241445, MONDO:0100183, OMIM 179300.
Aortic valve disease 2 (AOVD2). Identifiers: MedGen C3542024, MONDO:0013902, OMIM 614823.

Submissions (2):

Labcorp Genetics (formerly Invitae), Labcorp
Classification: Uncertain significance for Aortic valve disease 2. Last evaluated: 2024-06-19. Review status: criteria provided, single submitter. Criteria: Invitae Variant Classification Sherloc (09022015). Collection method: clinical testing. Allele origin: germline.
Comment: This variant, c.79_87del, results in the deletion of 3 amino acid(s) of the SMAD6 protein (p.Ser27_Gly29del), but otherwise preserves the integrity of the reading frame. This variant is not present in population databases (gnomAD no frequency). This variant has not been reported in the literature in individuals affected with SMAD6-related conditions. Experimental studies and prediction algorithms are not available or were not evaluated, and the functional significance of this variant is currently unknown. In summary, the available evidence is currently insufficient to determine the role of this variant in disease. Therefore, it has been classified as a Variant of Uncertain Significance.

Fulgent Genetics
Classification: Uncertain significance for Radioulnar synostosis, nonsyndromic, susceptibility to; Aortic valve disease 2; Craniosynostosis 7. Last evaluated: 2024-03-18. Review status: criteria provided, single submitter. Criteria: ACMG Guidelines, 2015. Collection method: clinical testing. Allele origin: germline.

NM_005585.5(SMAD6):c.79_87del (p.Ser27_Gly29del)

Gene: SMAD6 (SMAD family member 6; plus strand). Cytogenetic location: 15q22.31.
Variant type: Deletion.
Coding change: c.79_87del on transcript NM_005585.5 (MANE Select); coding-DNA positions 79 to 87, 9 bases deleted (AGCGGCGGC; older notation c.79_87delAGCGGCGGC).
Protein change: p.Ser27_Gly29del.
Molecular consequence: non-coding transcript variant (on NR_027654.2).
Genome position (GRCh38, 1-based): chr15:66,703,337-66,703,345, AGCGGCGGC deleted; deleting any 9 consecutive bases within chr15:66,703,331-66,703,345 gives the same sequence; the c. name uses the placement nearest the transcript's 3' end. VCF-style (leftmost placement, unchanged base first): chr15-66703330-AGGCGGCAGC-A. GRCh37 (hg19) VCF-style: chr15-66995668-AGGCGGCAGC-A.
Identifiers: ClinVar variation 3577611 (VCV003577611.3).